The following is an entry in ClinVar:

NM_183357.3(ADCY5):c.2197C>T (p.Arg733Trp)

Gene: ADCY5 (adenylate cyclase 5; minus strand). Cytogenetic location: 3q21.1.
Variant type: single nucleotide variant.
Coding change: c.2197C>T on transcript NM_183357.3 (MANE Select); coding-DNA position 2197, C replaced by T.
Protein change: p.Arg733Trp; replaces arginine 733 with tryptophan.
Molecular consequence: missense variant.
Genome position (GRCh38, 1-based): chr3:123,319,733, G>A on the plus strand (C>T on the coding strand, the complement: ADCY5 is on the minus strand). VCF-style: chr3-123319733-G-A. GRCh37 (hg19) VCF-style: chr3-123038580-G-A.
Other names: c.1147C>T, p.Arg383Trp (NM_001199642.1); c.2197C>T, p.Arg733Trp (NM_001378259.1); short protein forms R383W, R733W.
Identifiers: ClinVar variation 4829908 (VCV004829908.1).
Genomic context (GRCh38, chr3:123,319,733, plus strand): 5'-CCTTCTTCTCTAAGTCAGGCTCCCTGAAGGTCAGGAGGAACTTGCGGACGTGCTCAGACC[G>A]AAGCCTATCAATGCTCCTGGCGTCAATGGCACGGCCCAGAAACTCATCCACTTCATCCTC-3'
Protein context (NP_899200.1, residues 723-743): AIDARSIDRL[Arg733Trp]SEHVRKFLLT

ClinVar aggregate classification (germline): Uncertain significance (1 of 4 stars; one submission).

Conditions:
Inborn genetic diseases. Identifiers: MedGen C0950123, MeSH D030342.

gnomAD v4.1: 5 of 1,614,096 alleles (0.00031%); highest among the groups gnomAD compares: African/African-American, 0.004%; no homozygotes.

Submission:

Ambry Genetics
Classification: Uncertain significance for Inborn genetic diseases. Last evaluated: 2026-01-21. Review status: criteria provided, single submitter. Criteria: Ambry Variant Classification Scheme 2023. Collection method: clinical testing. Allele origin: germline.
Comment: The c.2197C>T (p.R733W) alteration is located in exon 10 (coding exon 10) of the ADCY5 gene. This alteration results from a C to T substitution at nucleotide position 2197, causing the arginine (R) at amino acid position 733 to be replaced by a tryptophan (W). Based on data from gnomAD, the T allele has an overall frequency of 0.003% (1/31394) total alleles studied. The highest observed frequency was 0.012% (1/8712) of African alleles. Based on insufficient or conflicting evidence, the clinical significance of this alteration remains unclear.